The following is an entry in ClinVar:

NM_020975.6(RET):c.3053T>G (p.Leu1018Arg)

Gene: RET (ret proto-oncogene; plus strand). Cytogenetic location: 10q11.21.
Variant type: single nucleotide variant.
Coding change: c.3053T>G on transcript NM_020975.6 (MANE Select); coding-DNA position 3053, T replaced by G.
Protein change: p.Leu1018Arg; replaces leucine 1018 with arginine.
Molecular consequence: missense variant.
Genome position (GRCh38, 1-based): chr10:43,126,588, T>G. VCF-style: chr10-43126588-T-G. GRCh37 (hg19) VCF-style: chr10-43622036-T-G.
Other names: c.3053T>G, p.Leu1018Arg (NM_000323.2, NM_001406743.1, NM_001406744.1 and 4 more transcripts); c.2291T>G, p.Leu764Arg (NM_001355216.2); c.2918T>G, p.Leu973Arg (NM_001406765.1, NM_001406763.1); c.2765T>G, p.Leu922Arg (NM_001406766.1, NM_001406767.1, NM_001406770.1); c.2789T>G, p.Leu930Arg (NM_001406768.1); c.2657T>G, p.Leu886Arg (NM_001406769.1, NM_001406772.1); c.2528T>G, p.Leu843Arg (NM_001406774.1); c.2327T>G, p.Leu776Arg (NM_001406775.1, NM_001406776.1, NM_001406777.1 and 1 more transcripts); and 10 more; short protein forms L583R, L688R, L776R, L623R, L674R, L676R, L843R, L886R.
Identifiers: ClinVar variation 1942819 (VCV001942819.8), dbSNP rs1463840144, ClinGen allele CA376558297.

ClinVar aggregate classification (germline): Uncertain significance. Review status: criteria provided, multiple submitters, no conflicts (2 of 4 stars). 2 submissions from 2 submitters: Uncertain significance (2). Last evaluated 2025-08-11.

Conditions:
Multiple endocrine neoplasia, type 2 (MEN2). Identifiers: Orphanet 653, MedGen C4048306, MONDO:0019003. Disease mechanism: gain of function.
Hereditary cancer-predisposing syndrome. Also called: Tumor predisposition; Hereditary neoplastic syndrome; Neoplastic Syndromes, Hereditary; Hereditary Cancer Syndrome. Identifiers: Orphanet 140162, MedGen C0027672, MeSH D009386, MONDO:0015356.

Allele frequency attached by ClinVar (database versions not stated): TOPMed below 0.00001; gnomAD 0.00001; gnomAD exomes 0.00003.
gnomAD v4.1: 28 of 1,613,944 alleles (0.0017%); highest among the groups gnomAD compares: Non-Finnish European, 0.0024%; no homozygotes.

Submissions (2):

Labcorp Genetics (formerly Invitae), Labcorp
Classification: Uncertain significance for Multiple endocrine neoplasia, type 2. Last evaluated: 2025-08-11. Review status: criteria provided, single submitter. Criteria: Invitae Variant Classification Sherloc (09022015). Collection method: clinical testing. Allele origin: germline.
Comment: This sequence change replaces leucine, which is neutral and non-polar, with arginine, which is basic and polar, at codon 1018 of the RET protein (p.Leu1018Arg). This variant is not present in population databases (gnomAD no frequency). This variant has not been reported in the literature in individuals affected with RET-related conditions. ClinVar contains an entry for this variant (Variation ID: 1942819). An algorithm developed to predict the effect of missense changes on protein structure and function (PolyPhen-2) suggests that this variant is likely to be disruptive. In summary, the available evidence is currently insufficient to determine the role of this variant in disease. Therefore, it has been classified as a Variant of Uncertain Significance.

Ambry Genetics
Classification: Uncertain significance for Hereditary cancer-predisposing syndrome. Last evaluated: 2025-07-12. Review status: criteria provided, single submitter. Criteria: Ambry Variant Classification Scheme 2023. Collection method: clinical testing. Allele origin: germline.
Comment: The p.L1018R variant (also known as c.3053T>G), located in coding exon 19 of the RET gene, results from a T to G substitution at nucleotide position 3053. The leucine at codon 1018 is replaced by arginine, an amino acid with dissimilar properties. This amino acid position is highly conserved in available vertebrate species. In addition, this alteration is predicted to be deleterious by in silico analysis. Based on the available evidence, the clinical significance of this variant remains unclear.